The following is an entry in ClinVar:

NM_001783.4(CD79A):c.313G>A (p.Val105Met)

Genes: RPS19-CD79A (RPS19-CD79A readthrough; plus strand), CD79A (CD79a molecule; plus strand). Cytogenetic location: 19q13.2.
Variant type: single nucleotide variant.
Coding change: c.313G>A on transcript NM_001783.4 (MANE Select); coding-DNA position 313, G replaced by A.
Protein change: p.Val105Met; replaces valine 105 with methionine.
Molecular consequence: missense variant. On other transcripts: intron variant (1).
Genome position (GRCh38, 1-based): chr19:41,879,223, G>A. VCF-style: chr19-41879223-G-A. GRCh37 (hg19) VCF-style: chr19-42383293-G-A.
Other names: c.265+48G>A (NM_021601.4); short protein forms V105M.
Identifiers: ClinVar variation 854015 (VCV000854015.4), dbSNP rs782661874, ClinGen allele CA9465557.

ClinVar aggregate classification (germline): Uncertain significance. Review status: criteria provided, multiple submitters, no conflicts (2 of 4 stars). 2 submissions from 2 submitters: Uncertain significance (2). Last evaluated 2024-01-09.

Conditions:
Agammaglobulinemia 3, autosomal recessive (AGM3). Also called: AGAMMAGLOBULINEMIA 3; AGAMMAGLOBULINEMIA, AUTOSOMAL RECESSIVE, DUE TO CD79A DEFECT. Identifiers: MedGen C3150751, MONDO:0013288, OMIM 613501.

Allele frequency attached by ClinVar (database versions not stated): gnomAD exomes 0.00001 and 0.00003; ExAC 0.00002; gnomAD 0.00004 and 0.00005; TOPMed 0.00007.

Submissions (2):

Ambry Genetics
Classification: Uncertain significance. Last evaluated: 2024-01-09. Review status: criteria provided, single submitter. Criteria: Ambry Variant Classification Scheme 2023. Collection method: clinical testing. Allele origin: germline.

Labcorp Genetics (formerly Invitae), Labcorp
Classification: Uncertain significance for Agammaglobulinemia 3, autosomal recessive. Last evaluated: 2022-10-13. Review status: criteria provided, single submitter. Criteria: Invitae Variant Classification Sherloc (09022015). Collection method: clinical testing. Allele origin: germline.
Comment: This sequence change replaces valine, which is neutral and non-polar, with methionine, which is neutral and non-polar, at codon 105 of the CD79A protein (p.Val105Met). This variant is present in population databases (rs782661874, gnomAD 0.003%). This variant has not been reported in the literature in individuals affected with CD79A-related conditions. ClinVar contains an entry for this variant (Variation ID: 854015). Algorithms developed to predict the effect of missense changes on protein structure and function output the following: SIFT: "Tolerated"; PolyPhen-2: "Benign"; Align-GVGD: "Class C0". The methionine amino acid residue is found in multiple mammalian species, which suggests that this missense change does not adversely affect protein function. In summary, the available evidence is currently insufficient to determine the role of this variant in disease. Therefore, it has been classified as a Variant of Uncertain Significance.